The following is an entry in ClinVar:

ClinVar aggregate classification (germline): Uncertain significance (1 of 4 stars; one submission).

Conditions:
Fabry disease. Also called: Fabry's disease; ALPHA-GALACTOSIDASE A DEFICIENCY; ANDERSON-FABRY DISEASE; CERAMIDE TRIHEXOSIDASE DEFICIENCY; GLA DEFICIENCY; HEREDITARY DYSTOPIC LIPIDOSIS. Identifiers: Orphanet 324, MedGen C0002986, MONDO:0010526, OMIM 301500, HP:0001071. Disease mechanism: Fabry disease is due to inactivating mutations in the X-linked GLA gene resulting in deficiency of the enzyme Alpha Galactosidase-A., loss of function.

Submission:

All of Us Research Program, National Institutes of Health
Classification: Uncertain significance for Fabry disease. Last evaluated: 2023-02-24. Review status: criteria provided, single submitter. Criteria: ACMG Guidelines, 2015. Collection method: clinical testing. Allele origin: germline. Inheritance: X-linked inheritance. Observed: 1 variant allele, 1 heterozygote.
Comment: This missense variant replaces valine with leucine at codon 199 of the GLA protein. Computational prediction suggests that this variant may not impact protein structure and function (internally defined REVEL score threshold <= 0.5, PMID: 27666373). To our knowledge, functional studies have not been reported for this variant. This variant has not been reported in individuals affected with GLA-related disorders in the literature. This variant has not been identified in the general population by the Genome Aggregation Database (gnomAD). The available evidence is insufficient to determine the role of this variant in disease conclusively. Therefore, this variant is classified as a Variant of Uncertain Significance.

This study involves interpretation of variants in research participants for the purpose of population health screening. Participant phenotype was not available at the time of variant classification. Additional details can be found in publication PMID: 35346344, PMCID: PMC8962531

NM_000169.3(GLA):c.595G>T (p.Val199Leu)

Genes: GLA (galactosidase alpha; minus strand), RPL36A-HNRNPH2 (RPL36A-HNRNPH2 readthrough; plus strand). Cytogenetic location: Xq22.1.
Variant type: single nucleotide variant.
Coding change: c.595G>T on transcript NM_000169.3 (MANE Select); coding-DNA position 595, G replaced by T.
Protein change: p.Val199Leu; replaces valine 199 with leucine.
Molecular consequence: missense variant. On other transcripts: non-coding transcript variant (2), intron variant (2).
Genome position (GRCh38, 1-based): chrX:101,400,710, C>A on the plus strand (G>T on the coding strand, the complement: GLA is on the minus strand). VCF-style: chrX-101400710-C-A. GRCh37 (hg19) VCF-style: chrX-100655698-C-A.
Other names: c.718G>T, p.Val240Leu (NM_001406747.1); c.595G>T, p.Val199Leu (NM_001406748.1); c.300+5253C>A (NM_001199973.2); c.177+8888C>A (NM_001199974.2); short protein forms V199L, V240L.
Identifiers: ClinVar variation 3069626 (VCV003069626.1), dbSNP rs398123213, ClinGen allele CA413927508.